The following is an entry in ClinVar:

ClinVar aggregate classification (germline): Uncertain significance. Review status: criteria provided, multiple submitters, no conflicts (2 of 4 stars). 2 submissions from 2 submitters: Uncertain significance (2). Last evaluated 2025-07-24.

Conditions:
Gorlin syndrome. Also called: Nevoid Basal Cell Carcinoma Syndrome; Basal cell nevus syndrome. Identifiers: Orphanet 377, MedGen C0004779, MONDO:0007187.

Allele frequency attached by ClinVar (database versions not stated): TOPMed 0.00002; ExAC 0.00003; gnomAD 0.00003 and 0.00004; gnomAD exomes 0.00004 and 0.00001.

Submissions (2):

Dasa
Classification: Uncertain significance. Last evaluated: 2025-07-24. Review status: criteria provided, single submitter. Criteria: DASA Assertion Criteria. Collection method: clinical testing. Allele origin: germline.
Comment: NM_003738.5(PTCH2):c.2976+2T>C affects a canonical splice site and is predicted to disrupt normal RNA splicing. This variant is rare in population databases. Computational prediction algorithms are consistent with a deleterious effect. The currently available literature and clinical evidence are not sufficient to establish a definitive association between this variant and the reported condition. Therefore, this variant is classified as a variant of uncertain significance.

Labcorp Genetics (formerly Invitae), Labcorp
Classification: Uncertain significance for Gorlin syndrome. Last evaluated: 2024-05-23. Review status: criteria provided, single submitter. Criteria: Invitae Variant Classification Sherloc (09022015). Collection method: clinical testing. Allele origin: germline.
Comment: This sequence change affects a donor splice site in intron 18 of the PTCH2 gene. It is expected to disrupt RNA splicing. Variants that disrupt the donor or acceptor splice site typically lead to a loss of protein function (PMID: 16199547), however the current clinical and genetic evidence is not sufficient to establish whether loss-of-function variants in PTCH2 cause disease. This variant is present in population databases (rs760436790, gnomAD 0.03%). This variant has not been reported in the literature in individuals affected with PTCH2-related conditions. ClinVar contains an entry for this variant (Variation ID: 857545). Algorithms developed to predict the effect of sequence changes on RNA splicing suggest that this variant may disrupt the consensus splice site. In summary, the available evidence is currently insufficient to determine the role of this variant in disease. Therefore, it has been classified as a Variant of Uncertain Significance.

Literature cited by the submitters: PubMed 16199547 (cited by Labcorp Genetics (formerly Invitae), Labcorp).

NM_003738.5(PTCH2):c.2976+2T>C

Gene: PTCH2 (patched 2; minus strand). Cytogenetic location: 1p34.1.
Variant type: single nucleotide variant.
Coding change: c.2976+2T>C on transcript NM_003738.5 (MANE Select); the canonical splice donor site of the intron after coding-DNA position 2976, T replaced by C.
Molecular consequence: splice donor variant.
Genome position (GRCh38, 1-based): chr1:44,826,486, A>G on the plus strand (T>C on the coding strand, the complement: PTCH2 is on the minus strand). VCF-style: chr1-44826486-A-G. GRCh37 (hg19) VCF-style: chr1-45292158-A-G.
Other names: c.2976+2T>C (NM_001166292.2).
Identifiers: ClinVar variation 857545 (VCV000857545.10), dbSNP rs760436790, ClinGen allele CA822844.